The following is an entry in ClinVar:

ClinVar aggregate classification (germline): Uncertain significance. Review status: criteria provided, multiple submitters, no conflicts (2 of 4 stars). 3 submissions from 3 submitters: Uncertain significance (2). 1 of the submissions does not count toward it. Last evaluated 2025-03-06.

Conditions:
Inborn genetic diseases. Identifiers: MedGen C0950123, MeSH D030342.
Bardet-Biedl syndrome (BBS). Identifiers: Orphanet 110, MedGen C0752166, MONDO:0015229.
WDPCP-related disorder. Also called: WDPCP-related condition.

Allele frequency attached by ClinVar (database versions not stated): gnomAD exomes 0.00001 and 0.00002; gnomAD 0.00004 and 0.00005; TOPMed 0.00005; ExAC 0.00006; ESP Exome Variant Server 0.00009.
gnomAD v4.1: 15 of 1,576,134 alleles (0.00095%); highest among the groups gnomAD compares: African/African-American, 0.012%; no homozygotes.

Submissions (3):

Ambry Genetics
Classification: Uncertain significance for Inborn genetic diseases. Last evaluated: 2025-03-06. Review status: criteria provided, single submitter. Criteria: Ambry Variant Classification Scheme 2023. Collection method: clinical testing. Allele origin: germline.

Labcorp Genetics (formerly Invitae), Labcorp
Classification: Uncertain significance for Bardet-Biedl syndrome. Last evaluated: 2022-10-13. Review status: criteria provided, single submitter. Criteria: Invitae Variant Classification Sherloc (09022015). Collection method: clinical testing. Allele origin: germline.
Comment: In summary, the available evidence is currently insufficient to determine the role of this variant in disease. Therefore, it has been classified as a Variant of Uncertain Significance. This sequence change replaces glycine, which is neutral and non-polar, with aspartic acid, which is acidic and polar, at codon 74 of the WDPCP protein (p.Gly74Asp). The frequency data for this variant in the population databases is considered unreliable, as metrics indicate poor data quality at this position in the gnomAD database. This variant has not been reported in the literature in individuals affected with WDPCP-related conditions. ClinVar contains an entry for this variant (Variation ID: 1044419). Advanced modeling of protein sequence and biophysical properties (such as structural, functional, and spatial information, amino acid conservation, physicochemical variation, residue mobility, and thermodynamic stability) performed at Invitae indicates that this missense variant is not expected to disrupt WDPCP protein function.

PreventionGenetics, part of Exact Sciences
Classification: Uncertain significance for WDPCP-related condition. Last evaluated: 2023-12-19. Review status: no assertion criteria provided. Collection method: clinical testing. Allele origin: germline. Not counted in ClinVar's aggregate classification.
Comment: The WDPCP c.221G>A variant is predicted to result in the amino acid substitution p.Gly74Asp. To our knowledge, this variant has not been reported in the literature. This variant is reported in 0.019% of alleles in individuals of African descent in gnomAD. At this time, the clinical significance of this variant is uncertain due to the absence of conclusive functional and genetic evidence.

NM_015910.7(WDPCP):c.221G>A (p.Gly74Asp)

Gene: WDPCP (WD repeat containing planar cell polarity effector; minus strand). Cytogenetic location: 2p15.
Variant type: single nucleotide variant.
Coding change: c.221G>A on transcript NM_015910.7 (MANE Select); coding-DNA position 221, G replaced by A.
Protein change: p.Gly74Asp; replaces glycine 74 with aspartic acid.
Molecular consequence: missense variant. On other transcripts: non-coding transcript variant (2).
Genome position (GRCh38, 1-based): chr2:63,486,574, C>T on the plus strand (G>A on the coding strand, the complement: WDPCP is on the minus strand). VCF-style: chr2-63486574-C-T. GRCh37 (hg19) VCF-style: chr2-63713708-C-T.
Other names: c.149G>A, p.Gly50Asp (NM_001354044.2); c.221G>A, p.Gly74Asp (NM_001354045.2); c.221G>A (NM_015910.5); short protein forms G50D, G74D.
Identifiers: ClinVar variation 1044419 (VCV001044419.10), dbSNP rs368745542, ClinGen allele CA1682560.